The following is an entry in ClinVar:

NM_001077365.2(POMT1):c.698A>T (p.Asn233Ile)

Gene: POMT1 (protein O-mannosyltransferase 1; plus strand). Cytogenetic location: 9q34.13.
Variant type: single nucleotide variant.
Coding change: c.698A>T on transcript NM_001077365.2 (MANE Select); coding-DNA position 698, A replaced by T.
Protein change: p.Asn233Ile; replaces asparagine 233 with isoleucine.
Molecular consequence: missense variant. On other transcripts: non-coding transcript variant (10), 5 prime UTR variant (1).
Genome position (GRCh38, 1-based): chr9:131,509,995, A>T. VCF-style: chr9-131509995-A-T. GRCh37 (hg19) VCF-style: chr9-134385382-A-T.
Other names: c.536A>T, p.Asn179Ile (NM_001077366.2, NM_001353194.2, NM_001353197.2 and 3 more transcripts); c.698A>T, p.Asn233Ile (NM_001136113.2, NM_001353193.2, NM_001374690.1 and 1 more transcripts); c.347A>T, p.Asn116Ile (NM_001136114.2, NM_001353195.2, NM_001353199.2 and 2 more transcripts); c.608A>T, p.Asn203Ile (NM_001353196.2); c.242A>T, p.Asn81Ile (NM_001353200.2, NM_001374695.1); c.-439A>T (NM_001411024.1); short protein forms N116I, N179I, N203I, N233I, N81I.
Identifiers: ClinVar variation 4538589 (VCV004538589.2).

ClinVar aggregate classification (germline): Uncertain significance. Review status: criteria provided, multiple submitters, no conflicts (2 of 4 stars). 2 submissions from 2 submitters: Uncertain significance (2). Last evaluated 2025-10-02.

Conditions:
Inborn genetic diseases. Identifiers: MedGen C0950123, MeSH D030342.

gnomAD v4.1: 5 of 1,613,988 alleles (0.00031%); highest among the groups gnomAD compares: Admixed American, 0.0033%; no homozygotes.

Submissions (2):

Ambry Genetics
Classification: Uncertain significance for Inborn genetic diseases. Last evaluated: 2025-10-02. Review status: criteria provided, single submitter. Criteria: Ambry Variant Classification Scheme 2023. Collection method: clinical testing. Allele origin: germline.

GeneDx
Classification: Uncertain significance. Last evaluated: 2025-06-20. Review status: criteria provided, single submitter. Criteria: GeneDx Variant Classification Process June 2021. Collection method: clinical testing. Allele origin: germline. Affected: yes.
Comment: Not observed at significant frequency in large population cohorts (gnomAD); In silico analysis supports that this missense variant has a deleterious effect on protein structure/function; Has not been previously published as pathogenic or benign to our knowledge